The following is an entry in ClinVar:

ClinVar aggregate classification (germline): Uncertain significance (1 of 4 stars; one submission).

Conditions:
Tuberous sclerosis 1 (TSC1). Identifiers: Orphanet 805, MedGen C1854465, MONDO:0008612, OMIM 191100.

Allele frequency attached by ClinVar (database versions not stated): TOPMed 0.00001.

Submission:

Labcorp Genetics (formerly Invitae), Labcorp
Classification: Uncertain significance for Tuberous sclerosis 1. Last evaluated: 2017-07-22. Review status: criteria provided, single submitter. Criteria: Invitae Variant Classification Sherloc (09022015). Collection method: clinical testing. Allele origin: germline.
Comment: This sequence change replaces leucine with histidine at codon 714 of the TSC1 protein (p.Leu714His). The leucine residue is moderately conserved and there is a moderate physicochemical difference between leucine and histidine. In summary, the available evidence is currently insufficient to determine the role of this variant in disease. Therefore, it has been classified as a Variant of Uncertain Significance. Algorithms developed to predict the effect of missense changes on protein structure and function do not agree on the potential impact of this missense change (SIFT: "Deleterious"; PolyPhen-2: "Possibly Damaging"; Align-GVGD: "Class C0"). This variant has not been reported in the literature in individuals with TSC1-related disease. This variant is not present in population databases (ExAC no frequency).

NM_000368.5(TSC1):c.2141T>A (p.Leu714His)

Gene: TSC1 (TSC complex subunit 1; minus strand). Cytogenetic location: 9q34.13.
Variant type: single nucleotide variant.
Coding change: c.2141T>A on transcript NM_000368.5 (MANE Select); coding-DNA position 2141, T replaced by A.
Protein change: p.Leu714His; replaces leucine 714 with histidine.
Molecular consequence: missense variant.
Genome position (GRCh38, 1-based): chr9:132,903,718, A>T on the plus strand (T>A on the coding strand, the complement: TSC1 is on the minus strand). VCF-style: chr9-132903718-A-T. GRCh37 (hg19) VCF-style: chr9-135779105-A-T.
Other names: c.2138T>A, p.Leu713His (NM_001162426.2); c.1988T>A, p.Leu663His (NM_001162427.2); c.1778T>A, p.Leu593His (NM_001362177.2); short protein forms L714H, L663H, L713H, L593H.
Identifiers: ClinVar variation 466066 (VCV000466066.8), dbSNP rs1438737976, ClinGen allele CA375360913.